The following is an entry in ClinVar:

ClinVar aggregate classification (germline): Uncertain significance. Review status: criteria provided, multiple submitters, no conflicts (2 of 4 stars). 2 submissions from 2 submitters: Uncertain significance (2). Last evaluated 2024-11-29.

Conditions:
Inborn genetic diseases. Identifiers: MedGen C0950123, MeSH D030342.

Allele frequency attached by ClinVar (database versions not stated): gnomAD exomes 0.00003; ExAC 0.00004; gnomAD 0.00004; TOPMed 0.00005; ESP Exome Variant Server 0.00008.
gnomAD v4.1: 90 of 1,614,094 alleles (0.0056%); highest among the groups gnomAD compares: Middle Eastern, 0.033%; no homozygotes.

Submissions (2):

Labcorp Genetics (formerly Invitae), Labcorp
Classification: Uncertain significance. Last evaluated: 2024-11-29. Review status: criteria provided, single submitter. Criteria: Invitae Variant Classification Sherloc (09022015). Collection method: clinical testing. Allele origin: germline.
Comment: This sequence change replaces isoleucine, which is neutral and non-polar, with threonine, which is neutral and polar, at codon 1945 of the LRRK1 protein (p.Ile1945Thr). This variant is present in population databases (rs370701948, gnomAD 0.005%). This variant has not been reported in the literature in individuals affected with LRRK1-related conditions. ClinVar contains an entry for this variant (Variation ID: 1385925). An algorithm developed to predict the effect of missense changes on protein structure and function (PolyPhen-2) suggests that this variant is likely to be tolerated. In summary, the available evidence is currently insufficient to determine the role of this variant in disease. Therefore, it has been classified as a Variant of Uncertain Significance.

Ambry Genetics
Classification: Uncertain significance for Inborn genetic diseases. Last evaluated: 2022-11-08. Review status: criteria provided, single submitter. Criteria: Ambry Variant Classification Scheme 2023. Collection method: clinical testing. Allele origin: germline.

NM_024652.6(LRRK1):c.5834T>C (p.Ile1945Thr)

Genes: LRRK1 (leucine rich repeat kinase 1; plus strand), LRRK1-AS1 (LRRK1 antisense RNA 1; minus strand). Cytogenetic location: 15q26.3.
Variant type: single nucleotide variant.
Coding change: c.5834T>C on transcript NM_024652.6 (MANE Select); coding-DNA position 5834, T replaced by C.
Protein change: p.Ile1945Thr; replaces isoleucine 1945 with threonine.
Molecular consequence: missense variant.
Genome position (GRCh38, 1-based): chr15:101,066,705, T>C. VCF-style: chr15-101066705-T-C. GRCh37 (hg19) VCF-style: chr15-101606910-T-C.
Other names: c.5834T>C (NM_024652.3); short protein forms I1945T.
Identifiers: ClinVar variation 1385925 (VCV001385925.8), dbSNP rs370701948, ClinGen allele CA7762267.